The following is an entry in ClinVar:

ClinVar aggregate classification (germline): Pathogenic (1 of 4 stars; one submission).

Submission:

CeGaT Center for Human Genetics Tuebingen
Classification: Pathogenic. Last evaluated: 2023-07-01. Review status: criteria provided, single submitter. Criteria: CeGaT Center For Human Genetics Tuebingen Variant Classification Criteria Version 2. Collection method: clinical testing. Allele origin: germline. Affected: yes. Observed: 1 variant allele.
Comment: CHD7: PVS1, PS2, PM2

NM_017780.4(CHD7):c.695del (p.Pro232fs)

Gene: CHD7 (chromodomain helicase DNA binding protein 7; plus strand). Cytogenetic location: 8q12.2.
Variant type: Deletion.
Coding change: c.695del on transcript NM_017780.4 (MANE Select); coding-DNA position 695, one base deleted (C; older notation c.695delC).
Protein change: p.Pro232fs; shifts the reading frame from proline 232.
Molecular consequence: frameshift variant.
Genome position (GRCh38, 1-based): chr8:60,742,127, C deleted; the last of 2 consecutive C bases (chr8:60,742,126-60,742,127); deleting either gives the same sequence. VCF-style (leftmost placement, unchanged base first): chr8-60742125-AC-A. GRCh37 (hg19) VCF-style: chr8-61654684-AC-A.
Other names: c.695del, p.Pro232fs (NM_001316690.1); short protein forms P232fs.
Identifiers: ClinVar variation 2579049 (VCV002579049.25), dbSNP rs2487268115, ClinGen allele CA2580617922.
Genomic context (GRCh38, chr8:60,742,125, plus strand): 5'-CCAGTTTTCCCAAGGCCAAGAGGGCCTCAATCAGGGAAATCCTTTTATTGCCACCTCAGG[AC>A]CTGGCCACTTGTCCCACGTGCCCCAGCAGAGTCCCAGCATGGCACCTTCCTTGCGTCACT-3'